The following is an entry in ClinVar:

NM_000071.3(CBS):c.545G>A (p.Arg182Gln)

Gene: CBS (cystathionine beta-synthase; minus strand). Cytogenetic location: 21q22.3.
Variant type: single nucleotide variant.
Coding change: c.545G>A on transcript NM_000071.3 (MANE Select); coding-DNA position 545, G replaced by A.
Protein change: p.Arg182Gln; replaces arginine 182 with glutamine.
Molecular consequence: missense variant.
Genome position (GRCh38, 1-based): chr21:43,065,508, C>T on the plus strand (G>A on the coding strand, the complement: CBS is on the minus strand). VCF-style: chr21-43065508-C-T. GRCh37 (hg19) VCF-style: chr21-44485618-C-T.
Other names: c.545G>A, p.Arg182Gln (NM_001178008.3, NM_001178009.3, NM_001320298.2); c.230G>A, p.Arg77Gln (NM_001321072.1); short protein forms R182Q, R77Q.
Identifiers: ClinVar variation 657002 (VCV000657002.9), dbSNP rs138314784, ClinGen allele CA321096193.

ClinVar aggregate classification (germline): Uncertain significance. Review status: criteria provided, multiple submitters, no conflicts (2 of 4 stars). 3 submissions from 3 submitters: Uncertain significance (2). 1 of the submissions does not count toward it. Last evaluated 2023-08-30.

Conditions:
HYPERHOMOCYSTEINEMIA, THROMBOTIC, CBS-RELATED. Identifiers: MedGen C3150344, OMIM 236200.
Classic homocystinuria. Also called: Homocystinuria due to Cystathionine Beta-Synthase Deficiency; Homocystinuria due to CBS deficiency; Cystathionine beta-synthase deficiency; CBS deficiency; HOMOCYSTINURIA WITH OR WITHOUT RESPONSE TO PYRIDOXINE. Identifiers: Orphanet 394, MedGen C0751202, MONDO:0009352, OMIM 236200.

Allele frequency attached by ClinVar (database versions not stated): gnomAD exomes 0.00002; ExAC 0.00005; ESP Exome Variant Server 0.00008.

Submissions (3):

Blueprint Genetics
Classification: Uncertain significance. Last evaluated: 2023-08-30. Review status: criteria provided, single submitter. Criteria: ACMG Guidelines, 2015. Collection method: clinical testing. Allele origin: germline.

Labcorp Genetics (formerly Invitae), Labcorp
Classification: Uncertain significance for HYPERHOMOCYSTEINEMIA, THROMBOTIC, CBS-RELATED. Last evaluated: 2022-09-27. Review status: criteria provided, single submitter. Criteria: Invitae Variant Classification Sherloc (09022015). Collection method: clinical testing. Allele origin: germline.
Comment: This sequence change replaces arginine, which is basic and polar, with glutamine, which is neutral and polar, at codon 182 of the CBS protein (p.Arg182Gln). This variant is present in population databases (rs138314784, gnomAD 0.006%). This variant has not been reported in the literature in individuals affected with CBS-related conditions. ClinVar contains an entry for this variant (Variation ID: 657002). Advanced modeling of protein sequence and biophysical properties (such as structural, functional, and spatial information, amino acid conservation, physicochemical variation, residue mobility, and thermodynamic stability) performed at Invitae indicates that this missense variant is expected to disrupt CBS protein function. Algorithms developed to predict the effect of sequence changes on RNA splicing suggest that this variant may create or strengthen a splice site. In summary, the available evidence is currently insufficient to determine the role of this variant in disease. Therefore, it has been classified as a Variant of Uncertain Significance.

Natera, Inc.
Classification: Uncertain significance for Homocystinuria due to cystathionine beta-synthase deficiency. Last evaluated: 2020-02-16. Review status: no assertion criteria provided. Collection method: clinical testing. Allele origin: germline. Not counted in ClinVar's aggregate classification.